The following is an entry in ClinVar:

NM_138295.5(PKD1L1):c.6505C>T (p.His2169Tyr)

Gene: PKD1L1 (polycystin 1 like 1, transient receptor potential channel interacting; minus strand). Cytogenetic location: 7p12.3.
Variant type: single nucleotide variant.
Coding change: c.6505C>T on transcript NM_138295.5 (MANE Select); coding-DNA position 6505, C replaced by T.
Protein change: p.His2169Tyr; replaces histidine 2169 with tyrosine.
Molecular consequence: missense variant.
Genome position (GRCh38, 1-based): chr7:47,830,093, G>A on the plus strand (C>T on the coding strand, the complement: PKD1L1 is on the minus strand). VCF-style: chr7-47830093-G-A. GRCh37 (hg19) VCF-style: chr7-47869691-G-A.
Other names: short protein forms H2169Y.
Identifiers: ClinVar variation 3889321 (VCV003889321.2).

ClinVar aggregate classification (germline): Uncertain significance. Review status: criteria provided, multiple submitters, no conflicts (2 of 4 stars). 2 submissions from 2 submitters: Uncertain significance (2). Last evaluated 2026-07-20.

Conditions:
PKD1L1-related disorder. Also called: PKD1L1-related condition.
Inborn genetic diseases. Identifiers: MedGen C0950123, MeSH D030342.

gnomAD v4.1: 73 of 1,614,008 alleles (0.0045%); highest among the groups gnomAD compares: Non-Finnish European, 0.0061%; no homozygotes.

Submissions (2):

PreventionGenetics, part of Exact Sciences
Classification: Uncertain significance for PKD1L1-related condition. Last evaluated: 2026-07-20. Review status: criteria provided, single submitter. Criteria: ACMG Guidelines, 2015. Collection method: clinical testing. Allele origin: germline.
Comment: The PKD1L1 c.6505C>T variant is predicted to result in the amino acid substitution p.His2169Tyr. To our knowledge, this variant has not been reported in the literature. This variant is reported in 0.0031% of alleles in individuals of European (Non-Finnish) descent in gnomAD. At this time, the clinical significance of this variant is uncertain due to the absence of conclusive functional and genetic evidence.

Ambry Genetics
Classification: Uncertain significance for Inborn genetic diseases. Last evaluated: 2025-02-09. Review status: criteria provided, single submitter. Criteria: Ambry Variant Classification Scheme 2023. Collection method: clinical testing. Allele origin: germline.